The following is an entry in ClinVar:

NM_031372.4(HNRNPDL):c.654_657del (p.Asp219fs)

Gene: HNRNPDL (heterogeneous nuclear ribonucleoprotein D like; minus strand). Cytogenetic location: 4q21.22.
Variant type: Deletion.
Coding change: c.654_657del on transcript NM_031372.4 (MANE Select); coding-DNA positions 654 to 657, 4 bases deleted (AGAT; older notation c.654_657delAGAT).
Protein change: p.Asp219fs; shifts the reading frame from aspartic acid 219.
Molecular consequence: frameshift variant. On other transcripts: non-coding transcript variant (1).
Genome position (GRCh38, 1-based): chr4:82,428,135-82,428,138, ATCT deleted on the plus strand (AGAT on the coding strand, the reverse complement: HNRNPDL is on the minus strand); deleting any 4 consecutive bases within chr4:82,428,135-82,428,141 gives the same sequence; the c. name uses the placement nearest the transcript's 3' end. VCF-style (leftmost placement, unchanged base first): chr4-82428134-GATCT-G. GRCh37 (hg19) VCF-style: chr4-83349287-GATCT-G.
Other names: c.654_657del, p.Asp219fs (NM_001207000.1); short protein forms D219fs.
Identifiers: ClinVar variation 3370685 (VCV003370685.1).
Genomic context (GRCh38, chr4:82,428,134, plus strand): 5'-ATCCACCCACAAAAACCTTTTTGGGAGGTTCTTTCCCTTTTAAAGCTTTGGCCCTTTTGG[GATCT>G]ATCAATTTGCCATCCAGTTTGTGTTCTTTCAGTTCCAAAACCTACAAGACAGATTTATTT-3'

ClinVar aggregate classification (germline): Uncertain significance (1 of 4 stars; one submission).

Submission:

GeneDx
Classification: Uncertain significance. Last evaluated: 2024-03-07. Review status: criteria provided, single submitter. Criteria: GeneDx Variant Classification Process June 2021. Collection method: clinical testing. Allele origin: germline. Affected: yes.
Comment: Frameshift variant predicted to result in protein truncation or nonsense mediated decay in a gene or region of a gene for which loss of function is not a well-established mechanism of disease; Not observed at significant frequency in large population cohorts (gnomAD); Has not been previously published as pathogenic or benign to our knowledge